The following is an entry in ClinVar:

NM_000219.6(KCNE1):c.139G>T (p.Val47Phe)

Gene: KCNE1 (potassium voltage-gated channel subfamily E regulatory subunit 1; minus strand). Cytogenetic location: 21q22.12.
Variant type: single nucleotide variant.
Coding change: c.139G>T on transcript NM_000219.6 (MANE Select); coding-DNA position 139, G replaced by T.
Protein change: p.Val47Phe; replaces valine 47 with phenylalanine.
Molecular consequence: missense variant.
Genome position (GRCh38, 1-based): chr21:34,449,496, C>A on the plus strand (G>T on the coding strand, the complement: KCNE1 is on the minus strand). VCF-style: chr21-34449496-C-A. GRCh37 (hg19) VCF-style: chr21-35821794-C-A.
Other names: c.139G>T, p.Val47Phe (NM_001270404.3, NM_001270405.3, NM_001127668.4 and 4 more transcripts); c.139G>T (LRG_290t1); short protein forms V47F.
Identifiers: ClinVar variation 132653 (VCV000132653.3), dbSNP rs199473353, ClinGen allele CA331916.
Genomic context (GRCh38, chr21:34,449,496, plus strand): 5'-GGATGTAGCTCAGCATGATGCCCAGGGTGAAGAAGCCGAAGAATCCCAGTACCATGAGGA[C>A]GTAGAGGGCCTCCAGCTTGCCGTCACTGCTGCGGGGGGACCTGCGGGCCAGGCCCGACAT-3'
Protein context (NP_000210.2, residues 37-57): SSDGKLEALY[Val47Phe]LMVLGFFGFF

ClinVar aggregate classification (germline): not provided (0 of 4 stars; one submission).

Conditions:
Familial long QT syndrome (RWS). Also called: Congenital long QT syndrome; VENTRICULAR FIBRILLATION WITH PROLONGED QT INTERVAL; Romano-Ward syndrome. Identifiers: Orphanet 768, MedGen C1141890, MONDO:0019171.

Submissions (2):

Cardiovascular Biomedical Research Unit, Royal Brompton & Harefield NHS Foundation Trust
No classification provided. Condition: Familial long QT syndrome. Review status: no classification provided. Collection method: literature only. Allele origin: germline.
Comment: This variant has been reported as associated with Long QT syndrome in the following publications (PMID:10400998). This is a literature report, and does not necessarily reflect the clinical interpretation of the Imperial College / Royal Brompton Cardiovascular Genetics laboratory.

Roden Lab, Vanderbilt University Medical Center
No classification provided (evidence only). Condition: Long QT syndrome 5. Review status: no classification provided. Collection method: in vitro. Allele origin: not applicable. Functional consequence: Effect on ion channel function. Not counted in ClinVar's aggregate classification.
ClinVar note: "not provided" was previously submitted as the classification for the variant. However, the classification appeared to be based only on an observation of functional data so it was converted to no classification on 2025-07-30.

Literature cited by the submitters: PubMed 10400998 (cited by Cardiovascular Biomedical Research Unit, Royal Brompton & Harefield NHS Foundation Trust); PubMed 22581653 (cited by Cardiovascular Biomedical Research Unit, Royal Brompton & Harefield NHS Foundation Trust).